The following is an entry in ClinVar:

NM_013275.6(ANKRD11):c.2327T>G (p.Leu776Ter)

Gene: ANKRD11 (ankyrin repeat domain 11; minus strand). Cytogenetic location: 16q24.3.
Variant type: single nucleotide variant.
Coding change: c.2327T>G on transcript NM_013275.6 (MANE Select); coding-DNA position 2327, T replaced by G.
Protein change: p.Leu776Ter; replaces leucine 776 with a stop codon.
Molecular consequence: nonsense.
Genome position (GRCh38, 1-based): chr16:89,284,215, A>C on the plus strand (T>G on the coding strand, the complement: ANKRD11 is on the minus strand). VCF-style: chr16-89284215-A-C. GRCh37 (hg19) VCF-style: chr16-89350623-A-C.
Other names: c.2327T>G, p.Leu776Ter (NM_001256182.2, NM_001256183.2); short protein forms L776*.
Identifiers: ClinVar variation 666326 (VCV000666326.43), dbSNP rs1597461100, ClinGen allele CA397162676.

ClinVar aggregate classification (germline): Pathogenic/Likely pathogenic. Review status: criteria provided, multiple submitters, no conflicts (2 of 4 stars). 3 submissions from 3 submitters: Pathogenic (2); Likely pathogenic (1). Last evaluated 2019-09-01.

Conditions:
KBG syndrome (KBGS). Also called: ANKRD11-Related KBG Syndrome. Identifiers: Orphanet 2332, MedGen C0220687, MONDO:0007846, OMIM 148050.

Submissions (3):

CeGaT Center for Human Genetics Tuebingen
Classification: Pathogenic. Last evaluated: 2019-09-01. Review status: criteria provided, single submitter. Criteria: CeGaT Center For Human Genetics Tuebingen Variant Classification Criteria Version 2. Collection method: clinical testing. Allele origin: germline. Affected: yes. Observed: 1 variant allele.

Equipe Genetique des Anomalies du Developpement, Université de Bourgogne
Classification: Likely pathogenic for KBG syndrome. Last evaluated: 2016-01-03. Review status: criteria provided, single submitter. Criteria: ACMG Guidelines, 2015. Collection method: clinical testing. Allele origin: germline. Affected: yes.

3billion
Classification: Pathogenic for KBG syndrome. Review status: criteria provided, single submitter. Criteria: ACMG Guidelines, 2015. Collection method: clinical testing. Allele origin: unknown. Affected: yes. Observed: 1 heterozygote.
Comment: The variant is not observed in the gnomAD v2.1.1 dataset. The variant is predicted to result in a loss or disruption of normal protein function through nonsense-mediated decay (NMD) or protein truncation. Multiple pathogenic variants are reported downstream of the variant. The variant has been reported at least twice as pathogenic without evidence for the classification (ClinVar ID: VCV000666326). Therefore, this variant is classified as Pathogenic according to the recommendation of ACMG/AMP guideline.